The following is an entry in ClinVar:

ClinVar aggregate classification (germline): Uncertain significance (1 of 4 stars; one submission).

Submission:

Ambry Genetics
Classification: Uncertain significance. Last evaluated: 2025-11-11. Review status: criteria provided, single submitter. Criteria: Ambry Variant Classification Scheme 2023. Collection method: clinical testing. Allele origin: germline.
Comment: The c.2020G>A (p.D674N) alteration is located in exon 15 (coding exon 13) of the ARAP1 gene. This alteration results from a G to A substitution at nucleotide position 2020, causing the aspartic acid (D) at amino acid position 674 to be replaced by an asparagine (N). Based on data from gnomAD, the A allele has an overall frequency of <0.001% (0/223506) total alleles studied. The highest observed frequency was <0.001% (/) of alleles. Based on insufficient or conflicting evidence, the clinical significance of this alteration remains unclear.

NM_001040118.3(ARAP1):c.2020G>A (p.Asp674Asn)

Genes: ARAP1 (ArfGAP with RhoGAP domain, ankyrin repeat and PH domain 1; minus strand), ARAP1-AS2 (ARAP1 antisense RNA 2; plus strand). Cytogenetic location: 11q13.4.
Variant type: single nucleotide variant.
Coding change: c.2020G>A on transcript NM_001040118.3 (MANE Select); coding-DNA position 2020, G replaced by A.
Protein change: p.Asp674Asn; replaces aspartic acid 674 with asparagine.
Molecular consequence: missense variant. On other transcripts: non-coding transcript variant (1).
Genome position (GRCh38, 1-based): chr11:72,703,052, C>T on the plus strand (G>A on the coding strand, the complement: ARAP1 is on the minus strand). VCF-style: chr11-72703052-C-T. GRCh37 (hg19) VCF-style: chr11-72414097-C-T.
Other names: c.1102G>A, p.Asp368Asn (NM_001135190.2); c.1285G>A, p.Asp429Asn (NM_001369489.1, NM_015242.5); short protein forms D429N, D674N, D368N.
Identifiers: ClinVar variation 4641929 (VCV004641929.1).